The following is an entry in ClinVar:

NM_000432.4(MYL2):c.413T>A (p.Met138Lys)

Gene: MYL2 (myosin light chain 2; minus strand). Cytogenetic location: 12q24.11.
Variant type: single nucleotide variant.
Coding change: c.413T>A on transcript NM_000432.4 (MANE Select); coding-DNA position 413, T replaced by A.
Protein change: p.Met138Lys; replaces methionine 138 with lysine.
Molecular consequence: missense variant.
Genome position (GRCh38, 1-based): chr12:110,911,165, A>T on the plus strand (T>A on the coding strand, the complement: MYL2 is on the minus strand). VCF-style: chr12-110911165-A-T. GRCh37 (hg19) VCF-style: chr12-111348969-A-T.
Other names: p.Met138Lys; short protein forms M138K.
Identifiers: ClinVar variation 840366 (VCV000840366.16), dbSNP rs748760581, ClinGen allele CA042802.

ClinVar aggregate classification (germline): Uncertain significance. Review status: criteria provided, multiple submitters, no conflicts (2 of 4 stars). 6 submissions from 6 submitters: Uncertain significance (6). Last evaluated 2026-06-17.

Conditions:
Hypertrophic cardiomyopathy 10. Also called: MYL2-Related Familial Hypertrophic Cardiomyopathy; CARDIOMYOPATHY, HYPERTROPHIC, MID-LEFT VENTRICULAR CHAMBER TYPE, 2. Identifiers: MedGen C1834460, MONDO:0012112, OMIM 608758.
Cardiovascular phenotype. Identifiers: MedGen CN230736.
Cardiomyopathy (CMYO). Also called: Cardiomyopathies. Identifiers: Orphanet 167848, MedGen C0878544, MONDO:0004994, HP:0001638. Inheritance: Various modes of inheritance.
Hypertrophic cardiomyopathy. Also called: HYPERTROPHIC MYOCARDIOPATHY. Identifiers: Orphanet 217569, MedGen C0007194, MeSH D002312, MONDO:0005045, HP:0001639.

Allele frequency attached by ClinVar (database versions not stated): ExAC 0.00001; TOPMed 0.00001; gnomAD exomes 0.00001.

Submissions (6):

Ambry Genetics
Classification: Uncertain significance for Cardiovascular phenotype. Last evaluated: 2026-06-17. Review status: criteria provided, single submitter. Criteria: Ambry Variant Classification Scheme 2023. Collection method: clinical testing. Allele origin: germline.
Comment: The p.M138K variant (also known as c.413T>A), located in coding exon 7 of the MYL2 gene, results from a T to A substitution at nucleotide position 413. The methionine at codon 138 is replaced by lysine, an amino acid with similar properties. This variant was reported as heterozygous in an individual with sudden cardiac death and in an individual with hypertrophic cardiomyopathy (McLeod EV et al. Am J Forensic Med Pathol, 2023 Sep;44:204-209; Anvekar P et al. Pediatr Cardiol, 2024 Dec;45:1784-1797). This amino acid position is highly conserved in available vertebrate species. In addition, this alteration is predicted to be deleterious by in silico analysis. Based on the available evidence, the clinical significance of this variant remains unclear.

Labcorp Genetics (formerly Invitae), Labcorp
Classification: Uncertain significance for Hypertrophic cardiomyopathy 10. Last evaluated: 2026-01-18. Review status: criteria provided, single submitter. Criteria: Invitae Variant Classification Sherloc (09022015). Collection method: clinical testing. Allele origin: germline.
Comment: This sequence change replaces methionine, which is neutral and non-polar, with lysine, which is basic and polar, at codon 138 of the MYL2 protein (p.Met138Lys). This variant is present in population databases (rs748760581, gnomAD 0.006%). This missense change has been observed in individual(s) with MYL2-related conditions (PMID: 37093871). ClinVar contains an entry for this variant (Variation ID: 840366). An algorithm developed to predict the effect of missense changes on protein structure and function (PolyPhen-2) suggests that this variant is likely to be disruptive. In summary, the available evidence is currently insufficient to determine the role of this variant in disease. Therefore, it has been classified as a Variant of Uncertain Significance.

All of Us Research Program, National Institutes of Health
Classification: Uncertain significance for Hypertrophic cardiomyopathy. Last evaluated: 2024-09-23. Review status: criteria provided, single submitter. Criteria: ACMG Guidelines, 2015. Collection method: clinical testing. Allele origin: germline. Inheritance: Autosomal dominant inheritance. Observed: 6 variant alleles, 6 heterozygotes.
Comment: This missense variant replaces methionine with lysine at codon 138 of the MYL2 protein. Computational prediction suggests that this variant may have deleterious impact on protein structure and function (internally defined REVEL score threshold >= 0.7, PMID: 27666373). To our knowledge, functional studies have not been reported for this variant. This variant has not been reported in individuals affected with cardiovascular disorders in the literature. This variant has been identified in 2/248646 chromosomes in the general population by the Genome Aggregation Database (gnomAD). The available evidence is insufficient to determine the role of this variant in disease conclusively. Therefore, this variant is classified as a Variant of Uncertain Significance.

This study involves interpretation of variants in research participants for the purpose of population health screening. Participant phenotype was not available at the time of variant classification. Additional details can be found in publication PMID: 35346344, PMCID: PMC8962531

Mayo Clinic Laboratories, Mayo Clinic
Classification: Uncertain significance. Last evaluated: 2024-06-21. Review status: criteria provided, single submitter. Criteria: ACMG Guidelines, 2015. Collection method: clinical testing. Allele origin: germline. Observed: 1 variant allele.
Comment: PP3, PM2

Color Diagnostics, LLC DBA Color Health
Classification: Uncertain significance for Cardiomyopathy. Last evaluated: 2024-03-07. Review status: criteria provided, single submitter. Criteria: ACMG Guidelines, 2015. Collection method: clinical testing. Allele origin: germline.
Comment: This missense variant replaces methionine with lysine at codon 138 of the MYL2 protein. Computational prediction suggests that this variant may have deleterious impact on protein structure and function (internally defined REVEL score threshold >= 0.7, PMID: 27666373). To our knowledge, functional studies have not been reported for this variant. This variant has not been reported in individuals affected with cardiovascular disorders in the literature. This variant has been identified in 2/248646 chromosomes in the general population by the Genome Aggregation Database (gnomAD). The available evidence is insufficient to determine the role of this variant in disease conclusively. Therefore, this variant is classified as a Variant of Uncertain Significance.

GeneDx
Classification: Uncertain significance. Last evaluated: 2023-02-01. Review status: criteria provided, single submitter. Criteria: GeneDx Variant Classification Process June 2021. Collection method: clinical testing. Allele origin: germline. Affected: yes.
Comment: Not observed at significant frequency in large population cohorts (gnomAD); In silico analysis supports that this missense variant has a deleterious effect on protein structure/function; Has not been previously published as pathogenic or benign to our knowledge

Literature cited by the submitters: PubMed 37093871 (cited by 3 submitters); PubMed 37725123 (cited by Ambry Genetics); PubMed 42074559 (cited by Ambry Genetics).